The following is an entry in ClinVar:

NM_017999.5(RNF31):c.979C>G (p.Arg327Gly)

Gene: RNF31 (ring finger protein 31; plus strand). Cytogenetic location: 14q12.
Variant type: single nucleotide variant.
Coding change: c.979C>G on transcript NM_017999.5 (MANE Select); coding-DNA position 979, C replaced by G.
Protein change: p.Arg327Gly; replaces arginine 327 with glycine.
Molecular consequence: missense variant.
Genome position (GRCh38, 1-based): chr14:24,150,230, C>G. VCF-style: chr14-24150230-C-G. GRCh37 (hg19) VCF-style: chr14-24619439-C-G.
Other names: c.526C>G, p.Arg176Gly (NM_001310332.2); short protein forms R176G, R327G.
Identifiers: ClinVar variation 4739696 (VCV004739696.1).

ClinVar aggregate classification (germline): Uncertain significance (1 of 4 stars; one submission).

gnomAD v4.1: 1 of 1,614,042 alleles (0.000062%); highest among the groups gnomAD compares: African/African-American, 0.0013%; no homozygotes.

Submission:

Labcorp Genetics (formerly Invitae), Labcorp
Classification: Uncertain significance. Last evaluated: 2025-02-06. Review status: criteria provided, single submitter. Criteria: Invitae Variant Classification Sherloc (09022015). Collection method: clinical testing. Allele origin: germline.
Comment: This sequence change replaces arginine, which is basic and polar, with glycine, which is neutral and non-polar, at codon 327 of the RNF31 protein (p.Arg327Gly). This variant is present in population databases (no rsID available, gnomAD 0.007%). This variant has not been reported in the literature in individuals affected with RNF31-related conditions. An algorithm developed to predict the effect of missense changes on protein structure and function (PolyPhen-2) suggests that this variant is likely to be disruptive. In summary, the available evidence is currently insufficient to determine the role of this variant in disease. Therefore, it has been classified as a Variant of Uncertain Significance.